The following is an entry in ClinVar:

NM_001270974.2(HYDIN):c.10385G>A (p.Arg3462Gln)

Gene: HYDIN (HYDIN axonemal central pair apparatus protein; minus strand). Cytogenetic location: 16q22.2.
Variant type: single nucleotide variant.
Coding change: c.10385G>A on transcript NM_001270974.2 (MANE Select); coding-DNA position 10385, G replaced by A.
Protein change: p.Arg3462Gln; replaces arginine 3462 with glutamine.
Molecular consequence: missense variant.
Genome position (GRCh38, 1-based): chr16:70,879,469, C>T on the plus strand (G>A on the coding strand, the complement: HYDIN is on the minus strand). VCF-style: chr16-70879469-C-T. GRCh37 (hg19) VCF-style: chr16-70913372-C-T.
Other names: short protein forms R3462Q.
Identifiers: ClinVar variation 1306347 (VCV001306347.2), dbSNP rs754107193, ClinGen allele CA8149275.

ClinVar aggregate classification (germline): Uncertain significance (1 of 4 stars; one submission).

Allele frequency attached by ClinVar (database versions not stated): ExAC 0.00003; gnomAD exomes 0.00003 and 0.00005.
gnomAD v4.1: 77 of 1,613,396 alleles (0.0048%); highest among the groups gnomAD compares: Admixed American, 0.012%; no homozygotes.

Submission:

GeneDx
Classification: Uncertain significance. Last evaluated: 2020-12-29. Review status: criteria provided, single submitter. Criteria: GeneDx Variant Classification Process June 2021. Collection method: clinical testing. Allele origin: germline. Affected: yes.
Comment: In silico analysis, which includes protein predictors and evolutionary conservation, supports that this variant does not alter protein structure/function; Has not been previously published as pathogenic or benign to our knowledge